The following is an entry in ClinVar:

NM_001999.4(FBN2):c.2206G>A (p.Gly736Ser)

Gene: FBN2 (fibrillin 2; minus strand). Cytogenetic location: 5q23.3.
Variant type: single nucleotide variant.
Coding change: c.2206G>A on transcript NM_001999.4 (MANE Select); coding-DNA position 2206, G replaced by A.
Protein change: p.Gly736Ser; replaces glycine 736 with serine.
Molecular consequence: missense variant.
Genome position (GRCh38, 1-based): chr5:128,369,224, C>T on the plus strand (G>A on the coding strand, the complement: FBN2 is on the minus strand). VCF-style: chr5-128369224-C-T. GRCh37 (hg19) VCF-style: chr5-127704917-C-T.
Other names: short protein forms G736S.
Identifiers: ClinVar variation 4743899 (VCV004743899.1).

ClinVar aggregate classification (germline): Uncertain significance (1 of 4 stars; one submission).

Conditions:
Congenital contractural arachnodactyly (CCA). Also called: BEALS SYNDROME; Arthrogryposis, distal, type 9; Beals-Hecht syndrome. Identifiers: Orphanet 115, MedGen C0220668, MONDO:0007363, OMIM 121050.

Submission:

Labcorp Genetics (formerly Invitae), Labcorp
Classification: Uncertain significance for Congenital contractural arachnodactyly. Last evaluated: 2025-09-25. Review status: criteria provided, single submitter. Criteria: Invitae Variant Classification Sherloc (09022015). Collection method: clinical testing. Allele origin: germline.
Comment: This sequence change replaces glycine, which is neutral and non-polar, with serine, which is neutral and polar, at codon 736 of the FBN2 protein (p.Gly736Ser). This variant is not present in population databases (gnomAD no frequency). This variant has not been reported in the literature in individuals affected with FBN2-related conditions. Invitae Evidence Modeling of protein sequence and biophysical properties (such as structural, functional, and spatial information, amino acid conservation, physicochemical variation, residue mobility, and thermodynamic stability) indicates that this missense variant is not expected to disrupt FBN2 protein function with a negative predictive value of 80%. In summary, the available evidence is currently insufficient to determine the role of this variant in disease. Therefore, it has been classified as a Variant of Uncertain Significance.